The following is an entry in ClinVar:

ClinVar aggregate classification (germline): Uncertain significance (1 of 4 stars; one submission).

Conditions:
Inborn genetic diseases. Identifiers: MedGen C0950123, MeSH D030342.

Submission:

Ambry Genetics
Classification: Uncertain significance for Inborn genetic diseases. Last evaluated: 2023-03-21. Review status: criteria provided, single submitter. Criteria: Ambry Variant Classification Scheme 2023. Collection method: clinical testing. Allele origin: germline.
Comment: The c.662A>C (p.K221T) alteration is located in exon 6 (coding exon 5) of the SYNCRIP gene. This alteration results from an A to C substitution at nucleotide position 662, causing the lysine (K) at amino acid position 221 to be replaced by a threonine (T). This variant was not reported in population-based cohorts in the Genome Aggregation Database (gnomAD). This amino acid position is highly conserved in available vertebrate species. This alteration is predicted to be tolerated by in silico analysis. Based on insufficient or conflicting evidence, the clinical significance of this alteration remains unclear.

NM_006372.5(SYNCRIP):c.662A>C (p.Lys221Thr)

Gene: SYNCRIP (synaptotagmin binding cytoplasmic RNA interacting protein; minus strand). Cytogenetic location: 6q14.3.
Variant type: single nucleotide variant.
Coding change: c.662A>C on transcript NM_006372.5 (MANE Select); coding-DNA position 662, A replaced by C.
Protein change: p.Lys221Thr; replaces lysine 221 with threonine.
Molecular consequence: missense variant.
Genome position (GRCh38, 1-based): chr6:85,636,971, T>G on the plus strand (A>C on the coding strand, the complement: SYNCRIP is on the minus strand). VCF-style: chr6-85636971-T-G. GRCh37 (hg19) VCF-style: chr6-86346689-T-G.
Other names: c.368A>C, p.Lys123Thr (NM_001159673.2, NM_001410938.1); c.662A>C, p.Lys221Thr (NM_001159674.2, NM_001159675.2, NM_001159676.2 and 1 more transcripts); c.206A>C, p.Lys69Thr (NM_001253771.2); short protein forms K123T, K221T, K69T.
Identifiers: ClinVar variation 2514544 (VCV002514544.2), dbSNP rs1157393420, ClinGen allele CA364905675.
Genomic context (GRCh38, chr6:85,636,971, plus strand): 5'-ACTTGATATTAAAGACAGTGAACGTGAAAACTGAAGGGGAAAAAAGGACAACTTACCAGT[T>G]TAACAGCCTCCTGAGCTGCTTCTTTTGTACAAAAAGTGACAAACGCATAACCTCTATTGA-3'
Protein context (NP_006363.4, residues 211-231): CTKEAAQEAV[Lys221Thr]LYNNHEIRSG